The following is an entry in ClinVar:

NM_001100913.3(PACS2):c.1269-3T>C

Gene: PACS2 (phosphofurin acidic cluster sorting protein 2; plus strand). Cytogenetic location: 14q32.33.
Variant type: single nucleotide variant.
Coding change: c.1269-3T>C on transcript NM_001100913.3 (MANE Select); 3 bases into the intron before coding-DNA position 1269, T replaced by C.
Molecular consequence: intron variant.
Genome position (GRCh38, 1-based): chr14:105,381,911, T>C. VCF-style: chr14-105381911-T-C. GRCh37 (hg19) VCF-style: chr14-105848248-T-C.
Other names: c.1044-3T>C (NM_001243127.3); c.1269-3T>C (NM_015197.4).
Identifiers: ClinVar variation 3257382 (VCV003257382.17).
Genomic context (GRCh38, chr14:105,381,911, plus strand): 5'-TGCCTCTGCCCCTGTTCCTGTTCCTGCTGCCACAGCCACTTAGCCTGTCCTGGTCCCCAA[T>C]AGGTCCGAGGGGAAGCAGGCTGGCCGACGGGGCCGGAGCACATCCTTGAAGGAGCGGCAG-3'

ClinVar aggregate classification (germline): Uncertain significance (1 of 4 stars; one submission).

gnomAD v4.1: 1 of 1,550,590 alleles (0.000064%); highest among the groups gnomAD compares: East Asian, 0.0024%; no homozygotes.

Submission:

CeGaT Center for Human Genetics Tuebingen
Classification: Uncertain significance. Last evaluated: 2024-07-01. Review status: criteria provided, single submitter. Criteria: CeGaT Center For Human Genetics Tuebingen Variant Classification Criteria Version 2. Collection method: clinical testing. Allele origin: germline. Affected: yes. Observed: 1 variant allele.
Comment: PACS2: PM2, BP4